The following is an entry in ClinVar:

NM_006206.6(PDGFRA):c.1279T>C (p.Ser427Pro)

Gene: PDGFRA (platelet derived growth factor receptor alpha; plus strand). Cytogenetic location: 4q12.
Variant type: single nucleotide variant.
Coding change: c.1279T>C on transcript NM_006206.6 (MANE Select); coding-DNA position 1279, T replaced by C.
Protein change: p.Ser427Pro; replaces serine 427 with proline.
Molecular consequence: missense variant.
Genome position (GRCh38, 1-based): chr4:54,272,435, T>C. VCF-style: chr4-54272435-T-C. GRCh37 (hg19) VCF-style: chr4-55138602-T-C.
Other names: c.1279T>C, p.Ser427Pro (NM_001347827.2, NM_001347829.2); c.1354T>C, p.Ser452Pro (NM_001347828.2); c.1318T>C, p.Ser440Pro (NM_001347830.2); c.1279T>C (NM_006206.4); short protein forms S427P, S440P, S452P.
Identifiers: ClinVar variation 1013672 (VCV001013672.10), dbSNP rs1723452992, ClinGen allele CA356892222.

ClinVar aggregate classification (germline): Uncertain significance. Review status: criteria provided, multiple submitters, no conflicts (2 of 4 stars). 2 submissions from 2 submitters: Uncertain significance (2). Last evaluated 2025-11-25.

Conditions:
Hereditary cancer-predisposing syndrome. Also called: Neoplastic Syndromes, Hereditary; Hereditary Cancer Syndrome; Hereditary neoplastic syndrome; Tumor predisposition. Identifiers: Orphanet 140162, MedGen C0027672, MeSH D009386, MONDO:0015356.
Gastrointestinal stromal tumor. Also called: Gastrointestinal stromal tumor, somatic; Gastrointestinal stroma tumor. Identifiers: Orphanet 44890, MedGen C0238198, MeSH D046152, MONDO:0011719, OMIM 606764, HP:0100723.

Allele frequency attached by ClinVar (database versions not stated): gnomAD exomes below 0.00001; TOPMed 0.00001.
gnomAD v4.1: 2 of 1,614,000 alleles (0.00012%); highest among the groups gnomAD compares: Non-Finnish European, 0.00017%; no homozygotes.

Submissions (2):

Labcorp Genetics (formerly Invitae), Labcorp
Classification: Uncertain significance for Gastrointestinal stromal tumor. Last evaluated: 2025-11-25. Review status: criteria provided, single submitter. Criteria: Invitae Variant Classification Sherloc (09022015). Collection method: clinical testing. Allele origin: germline.
Comment: This sequence change replaces serine, which is neutral and polar, with proline, which is neutral and non-polar, at codon 427 of the PDGFRA protein (p.Ser427Pro). This variant is not present in population databases (gnomAD no frequency). This variant has not been reported in the literature in individuals affected with PDGFRA-related conditions. ClinVar contains an entry for this variant (Variation ID: 1013672). Invitae Evidence Modeling of protein sequence and biophysical properties (such as structural, functional, and spatial information, amino acid conservation, physicochemical variation, residue mobility, and thermodynamic stability) indicates that this missense variant is not expected to disrupt PDGFRA protein function with a negative predictive value of 80%. In summary, the available evidence is currently insufficient to determine the role of this variant in disease. Therefore, it has been classified as a Variant of Uncertain Significance.

Ambry Genetics
Classification: Uncertain significance for Hereditary cancer-predisposing syndrome. Last evaluated: 2024-03-11. Review status: criteria provided, single submitter. Criteria: Ambry Variant Classification Scheme 2023. Collection method: clinical testing. Allele origin: germline.
Comment: The p.S427P variant (also known as c.1279T>C), located in coding exon 8 of the PDGFRA gene, results from a T to C substitution at nucleotide position 1279. The serine at codon 427 is replaced by proline, an amino acid with similar properties. This amino acid position is conserved. In addition, this alteration is predicted to be tolerated by in silico analysis. Based on the available evidence, the clinical significance of this alteration remains unclear.